The following is an entry in ClinVar:

ClinVar aggregate classification (germline): Uncertain significance (1 of 4 stars; one submission).

Submission:

Labcorp Genetics (formerly Invitae), Labcorp
Classification: Uncertain significance. Last evaluated: 2022-06-20. Review status: criteria provided, single submitter. Criteria: Invitae Variant Classification Sherloc (09022015). Collection method: clinical testing. Allele origin: germline.
Comment: This sequence change replaces alanine, which is neutral and non-polar, with aspartic acid, which is acidic and polar, at codon 2 of the IMPAD1 protein (p.Ala2Asp). In summary, the available evidence is currently insufficient to determine the role of this variant in disease. Therefore, it has been classified as a Variant of Uncertain Significance. Algorithms developed to predict the effect of missense changes on protein structure and function are either unavailable or do not agree on the potential impact of this missense change (SIFT: "Tolerated"; PolyPhen-2: "Probably Damaging"; Align-GVGD: "Class C0"). ClinVar contains an entry for this variant (Variation ID: 1053543). This variant has not been reported in the literature in individuals affected with IMPAD1-related conditions. This variant is not present in population databases (gnomAD no frequency).

NM_017813.5(BPNT2):c.5C>A (p.Ala2Asp)

Genes: BPNT2 (3'(2'), 5'-bisphosphate nucleotidase 2; minus strand), LOC130000433 (ATAC-STARR-seq lymphoblastoid silent region 19212; plus strand). Cytogenetic location: 8q12.1.
Variant type: single nucleotide variant.
Coding change: c.5C>A on transcript NM_017813.5 (MANE Select); coding-DNA position 5, C replaced by A.
Protein change: p.Ala2Asp; replaces alanine 2 with aspartic acid.
Molecular consequence: missense variant.
Genome position (GRCh38, 1-based): chr8:56,993,581, G>T on the plus strand (C>A on the coding strand, the complement: BPNT2 is on the minus strand). VCF-style: chr8-56993581-G-T. GRCh37 (hg19) VCF-style: chr8-57906140-G-T.
Other names: short protein forms A2D.
Identifiers: ClinVar variation 1053543 (VCV001053543.9), dbSNP rs2129207484, ClinGen allele CA371386605.